The following is an entry in ClinVar:

ClinVar aggregate classification (germline): Uncertain significance (1 of 4 stars; one submission).

Conditions:
RASopathy. Also called: Noonan spectrum disorder; rasopathies. Identifiers: Orphanet 536391, MedGen C5555857, MONDO:0021060.

Submission:

Labcorp Genetics (formerly Invitae), Labcorp
Classification: Uncertain significance for RASopathy. Last evaluated: 2025-04-17. Review status: criteria provided, single submitter. Criteria: Invitae Variant Classification Sherloc (09022015). Collection method: clinical testing. Allele origin: germline.
Comment: This sequence change replaces glycine, which is neutral and non-polar, with aspartic acid, which is acidic and polar, at codon 80 of the MAP2K1 protein (p.Gly80Asp). This variant is not present in population databases (gnomAD no frequency). This variant has not been reported in the literature in individuals affected with MAP2K1-related conditions. ClinVar contains an entry for this variant (Variation ID: 2759901). Invitae Evidence Modeling of protein sequence and biophysical properties (such as structural, functional, and spatial information, amino acid conservation, physicochemical variation, residue mobility, and thermodynamic stability) indicates that this missense variant is expected to disrupt MAP2K1 protein function with a positive predictive value of 95%. In summary, the available evidence is currently insufficient to determine the role of this variant in disease. Therefore, it has been classified as a Variant of Uncertain Significance.

NM_002755.4(MAP2K1):c.239G>A (p.Gly80Asp)

Gene: MAP2K1 (mitogen-activated protein kinase kinase 1; plus strand). Cytogenetic location: 15q22.31.
Variant type: single nucleotide variant.
Coding change: c.239G>A on transcript NM_002755.4 (MANE Select); coding-DNA position 239, G replaced by A.
Protein change: p.Gly80Asp; replaces glycine 80 with aspartic acid.
Molecular consequence: missense variant.
Genome position (GRCh38, 1-based): chr15:66,435,185, G>A. VCF-style: chr15-66435185-G-A. GRCh37 (hg19) VCF-style: chr15-66727523-G-A.
Other names: c.173G>A, p.Gly58Asp (NM_001411065.1); short protein forms G58D, G80D.
Identifiers: ClinVar variation 2759901 (VCV002759901.3), dbSNP rs2140579699, ClinGen allele CA392929444.